The following is an entry in ClinVar:

ClinVar aggregate classification (germline): Likely benign. Review status: criteria provided, multiple submitters, no conflicts (2 of 4 stars). 2 submissions from 2 submitters: Likely benign (2). Last evaluated 2026-04-27.

Conditions:
Nephronophthisis. Also called: Juvenile Nephronophthisis. Identifiers: Orphanet 655, MedGen C0687120, MONDO:0019005, HP:0000090.
NPHP4-related disorder. Also called: NPHP4-related condition; NPHP4-related disorders. Identifiers: MedGen CN239384.

gnomAD v4.1: 9 of 1,613,872 alleles (0.00056%); highest among the groups gnomAD compares: Non-Finnish European, 0.00076%; no homozygotes.

Submissions (2):

PreventionGenetics, part of Exact Sciences
Classification: Likely benign for NPHP4-related condition. Last evaluated: 2026-04-27. Review status: criteria provided, single submitter. Criteria: ACMG Guidelines, 2015. Collection method: clinical testing. Allele origin: germline.
Comment: This variant is classified as likely benign based on ACMG/AMP sequence variant interpretation guidelines (Richards et al. 2015 PMID: 25741868, with internal and published modifications).

Labcorp Genetics (formerly Invitae), Labcorp
Classification: Likely benign for Nephronophthisis. Last evaluated: 2025-02-10. Review status: criteria provided, single submitter. Criteria: Invitae Variant Classification Sherloc (09022015). Collection method: clinical testing. Allele origin: germline.

NM_015102.5(NPHP4):c.4111C>T (p.Leu1371=)

Gene: NPHP4 (nephrocystin 4; minus strand). Cytogenetic location: 1p36.31.
Variant type: single nucleotide variant.
Coding change: c.4111C>T on transcript NM_015102.5 (MANE Select); coding-DNA position 4111, C replaced by T.
Protein change: p.Leu1371=; no amino-acid change (leucine 1371 retained).
Molecular consequence: synonymous variant. On other transcripts: non-coding transcript variant (1).
Genome position (GRCh38, 1-based): chr1:5,863,919, G>A on the plus strand (C>T on the coding strand, the complement: NPHP4 is on the minus strand). VCF-style: chr1-5863919-G-A. GRCh37 (hg19) VCF-style: chr1-5923979-G-A.
Other names: c.2572C>T, p.Leu858= (NM_001291593.2); c.2575C>T, p.Leu859= (NM_001291594.2); c.4111C>T (NM_015102.4).
Identifiers: ClinVar variation 3716162 (VCV003716162.3).
Genomic context (GRCh38, chr1:5,863,919, plus strand): 5'-CCTAGGAGTCCCAGGCACAGCCCCACCACACCTGGAAGGAGTCCTCTCTGAACCGCAGCA[G>A]CTCCGGGTGGTCGCTGTGCAGGTGGAATGTCCTCCGGGAGGGGTAGGGGTTGGTGTAGGT-3'
Protein context (NP_055917.1, residues 1361-1381): TFHLHSDHPE[Leu1371=]LRFREDSFQV